The following is an entry in ClinVar:

ClinVar aggregate classification (germline): Benign/Likely benign. Review status: criteria provided, multiple submitters, no conflicts (2 of 4 stars). 2 submissions from 2 submitters: Benign (1); Likely benign (1). Last evaluated 2026-05-05.

Conditions:
Colorectal cancer, hereditary nonpolyposis, type 7. Identifiers: Orphanet 144, MedGen C1858380, MONDO:0013725, OMIM 614385.

Allele frequency attached by ClinVar (database versions not stated): gnomAD exomes below 0.00001.
gnomAD v4.1: 1 of 1,614,084 alleles (0.000062%); highest among the groups gnomAD compares: Admixed American, 0.0017%; no homozygotes.

Submissions (2):

Myriad Genetics, Inc.
Classification: Benign for Colorectal cancer, hereditary nonpolyposis, type 7. Last evaluated: 2026-05-05. Review status: criteria provided, single submitter. Criteria: Myriad Autosomal Dominant, Autosomal Recessive and X-Linked Classification Criteria (2023). Collection method: clinical testing. Allele origin: unknown.
Comment: This variant is considered benign. This variant is a silent/synonymous amino acid change and it is not expected to impact splicing.

Ambry Genetics
Classification: Likely benign. Last evaluated: 2021-03-06. Review status: criteria provided, single submitter. Criteria: Ambry Variant Classification Scheme 2023. Collection method: clinical testing. Allele origin: germline.

NM_001040108.2(MLH3):c.2868C>T (p.Asn956=)

Gene: MLH3 (mutL homolog 3; minus strand). Cytogenetic location: 14q24.3.
Variant type: single nucleotide variant.
Coding change: c.2868C>T on transcript NM_001040108.2 (MANE Select); coding-DNA position 2868, C replaced by T.
Protein change: p.Asn956=; no amino-acid change (asparagine 956 retained).
Molecular consequence: synonymous variant.
Genome position (GRCh38, 1-based): chr14:75,046,788, G>A on the plus strand (C>T on the coding strand, the complement: MLH3 is on the minus strand). VCF-style: chr14-75046788-G-A. GRCh37 (hg19) VCF-style: chr14-75513491-G-A.
Other names: c.2868C>T, p.Asn956= (NM_014381.3).
Identifiers: ClinVar variation 1797012 (VCV001797012.3), dbSNP rs2503259080, ClinGen allele CA487273648.